The following is an entry in ClinVar:

ClinVar aggregate classification (germline): Likely benign (1 of 4 stars; one submission).

Submission:

Mayo Clinic Laboratories, Mayo Clinic
Classification: Likely benign. Last evaluated: 2025-09-22. Review status: criteria provided, single submitter. Criteria: ACMG Guidelines, 2015. Collection method: clinical testing. Allele origin: germline. Observed: 10 variant alleles.
Comment: BP4, BP7

NM_024678.6(NARS2):c.1165-7dup

Gene: NARS2 (asparaginyl-tRNA synthetase 2, mitochondrial; minus strand). Cytogenetic location: 11q14.1.
Variant type: Duplication.
Coding change: c.1165-7dup on transcript NM_024678.6 (MANE Select); 7 bases into the intron before coding-DNA position 1165, one base duplicated (T; older notation c.1165-7dupT).
Molecular consequence: intron variant.
Genome position (GRCh38, 1-based): chr11:78,443,765, A duplicated on the plus strand (T on the coding strand, the reverse complement: NARS2 is on the minus strand); the first of 12 consecutive A bases (chr11:78,443,765-78,443,776); duplicating any one gives the same sequence. VCF-style (leftmost placement, unchanged base first): chr11-78443764-G-GA. GRCh37 (hg19) VCF-style: chr11-78154810-G-GA.
Other names: p.?; c.484-7dup (NM_001425314.1, NM_001243251.2, NM_001425312.1 and 1 more transcripts); c.607-7dup (NM_001425310.1); c.934-7dup (NM_001425308.1); c.1084-7dup (NM_001425303.1, NM_001425302.1); c.937-7dup (NM_001425307.1); c.514-7dup (NM_001425311.1); c.895-7dup (NM_001425309.1); and 5 more.
Identifiers: ClinVar variation 4683667 (VCV004683667.1).